The following is an entry in ClinVar:

NM_000548.5(TSC2):c.4638C>T (p.Ala1546=)

Gene: TSC2 (TSC complex subunit 2; plus strand). Cytogenetic location: 16p13.3.
Variant type: single nucleotide variant.
Coding change: c.4638C>T on transcript NM_000548.5 (MANE Select); coding-DNA position 4638, C replaced by T.
Protein change: p.Ala1546=; no amino-acid change (alanine 1546 retained).
Molecular consequence: synonymous variant.
Genome position (GRCh38, 1-based): chr16:2,085,298, C>T. VCF-style: chr16-2085298-C-T. GRCh37 (hg19) VCF-style: chr16-2135299-C-T.
Other names: p.A1546A:GCC>GCT; p.Ala1546Ala; p.Ala1546=; c.4638C>T (NM_000548.4); c.4437C>T, p.Ala1479= (NM_001077183.3); c.4569C>T, p.Ala1523= (NM_001114382.3); c.4329C>T, p.Ala1443= (NM_001318827.2); c.4293C>T, p.Ala1431= (NM_001318829.2); and 5 more.
Identifiers: ClinVar variation 50019 (VCV000050019.71), dbSNP rs45517354, ClinGen allele CA020795.
Genomic context (GRCh38, chr16:2,085,298, plus strand): 5'-CTTTGAGCGGTCGGTGCAGCTCCTCGACCAGATCCCATCATACGACACCCACAAGATCGC[C>T]GTCCTGTATGTTGGAGAAGGCCAGGTGAGGCTGCGGGGCCGGCCTAGGTGCCTGGACAGG-3'
Protein context (NP_000539.2, residues 1536-1556): QIPSYDTHKI[Ala1546=]VLYVGEGQSN

ClinVar aggregate classification (germline): Benign/Likely benign. Review status: criteria provided, multiple submitters, no conflicts (2 of 4 stars). 21 submissions from 21 submitters: Benign (15); Likely benign (5). 1 of the submissions does not count toward it. Last evaluated 2026-08-01.

Conditions:
Tuberous sclerosis 2 (TSC2). Identifiers: Orphanet 805, MedGen C1860707, MONDO:0013199, OMIM 613254.
Lymphangiomyomatosis (LAM). Also called: Lymphangioleiomyomatosis; Lymphangioleiomyomatosis, somatic. Identifiers: Orphanet 538, MedGen C0751674, MONDO:0011705, OMIM 606690.
Isolated focal cortical dysplasia type II (FCORD2). Also called: Focal cortical dysplasia type II; CORTICAL DYSPLASIA OF TAYLOR. Identifiers: Orphanet 268994, MedGen C1846385, MONDO:0011818, OMIM 607341, HP:0032051.
Hereditary cancer-predisposing syndrome. Also called: Neoplastic Syndromes, Hereditary; Tumor predisposition; Hereditary Cancer Syndrome; Hereditary neoplastic syndrome. Identifiers: Orphanet 140162, MedGen C0027672, MeSH D009386, MONDO:0015356.
Tuberous sclerosis syndrome (TSC). Also called: Tuberous Sclerosis Complex; Tuberous sclerosis. Identifiers: Orphanet 805, MedGen C0041341, MONDO:0001734.

Allele frequency attached by ClinVar (database versions not stated): gnomAD 0.00377 and 0.00349; 1000 Genomes Project 0.00379; 1000 Genomes Project 30x 0.00390; TOPMed 0.00399; ESP Exome Variant Server 0.00470; ExAC 0.00114.
gnomAD v4.1: 1,106 of 1,612,710 alleles (0.069%); highest among the groups gnomAD compares: African/African-American, 1.2%; 5 homozygotes.

Submissions (21):

CeGaT Center for Human Genetics Tuebingen
Classification: Likely benign. Last evaluated: 2026-08-01. Review status: criteria provided, single submitter. Criteria: CeGaT Center For Human Genetics Tuebingen Variant Classification Criteria Version 2. Collection method: clinical testing. Allele origin: germline. Affected: yes. Observed: 11 variant alleles.
Comment: TSC2: BP4, BP7, BS1

Labcorp Genetics (formerly Invitae), Labcorp
Classification: Benign for Tuberous sclerosis 2. Last evaluated: 2026-02-04. Review status: criteria provided, single submitter. Criteria: Invitae Variant Classification Sherloc (09022015). Collection method: clinical testing. Allele origin: germline.

Women's Health and Genetics/Laboratory Corporation of America, LabCorp
Classification: Benign. Last evaluated: 2025-11-13. Review status: criteria provided, single submitter. Criteria: LabCorp Variant Classification Summary - May 2015. Collection method: clinical testing. Allele origin: germline.

Myriad Genetics, Inc.
Classification: Benign for Tuberous sclerosis 2. Last evaluated: 2025-06-04. Review status: criteria provided, single submitter. Criteria: Myriad Autosomal Dominant, Autosomal Recessive and X-Linked Classification Criteria (2023). Collection method: clinical testing. Allele origin: unknown.
Comment: This variant is considered benign. This variant is a silent/synonymous amino acid change and it is not expected to impact splicing.

ARUP Laboratories, Molecular Genetics and Genomics, ARUP Laboratories
Classification: Benign. Last evaluated: 2025-05-15. Review status: criteria provided, single submitter. Criteria: ARUP Molecular Germline Variant Investigation Process 2024. Collection method: clinical testing. Allele origin: germline.

Blueprint Genetics
Classification: Likely benign. Last evaluated: 2024-10-24. Review status: criteria provided, single submitter. Criteria: ACMG Guidelines, 2015. Collection method: clinical testing. Allele origin: germline.

Athena Diagnostics
Classification: Benign. Last evaluated: 2024-04-15. Review status: criteria provided, single submitter. Criteria: Athena Diagnostics Criteria. Collection method: clinical testing. Allele origin: unknown.

All of Us Research Program, National Institutes of Health
Classification: Benign for Tuberous sclerosis syndrome. Last evaluated: 2024-02-05. Review status: criteria provided, single submitter. Criteria: ACMG Guidelines, 2015. Collection method: clinical testing. Allele origin: germline. Inheritance: Autosomal dominant inheritance. Observed: 245 variant alleles, 244 heterozygotes, 1 homozygote.
Comment: This study involves interpretation of variants in research participants for the purpose of population health screening. Participant phenotype was not available at the time of variant classification. Additional details can be found in publication PMID: 35346344, PMCID: PMC8962531

Mayo Clinic Laboratories, Mayo Clinic
Classification: Benign. Last evaluated: 2023-10-12. Review status: criteria provided, single submitter. Criteria: ACMG Guidelines, 2015. Collection method: clinical testing. Allele origin: germline. Observed: 8 variant alleles.
Comment: BA1, BS2, BP4, BP7

KCCC/NGS Laboratory, Kuwait Cancer Control Center
Classification: Benign for Tuberous sclerosis 2. Last evaluated: 2023-07-07. Review status: criteria provided, single submitter. Criteria: ACMG Guidelines, 2015. Collection method: clinical testing. Allele origin: germline. Affected: yes.

Color Diagnostics, LLC DBA Color Health
Classification: Benign for Tuberous sclerosis syndrome. Last evaluated: 2022-09-30. Review status: criteria provided, single submitter. Criteria: ACMG Guidelines, 2015. Collection method: clinical testing. Allele origin: germline.

Department of Pathology and Laboratory Medicine, Sinai Health System
Classification: Benign for Lymphangiomyomatosis; Isolated focal cortical dysplasia type II; Tuberous sclerosis 2. Last evaluated: 2022-01-31. Review status: criteria provided, single submitter. Criteria: ACMG Guidelines, 2015. Collection method: clinical testing. Allele origin: germline. Affected: yes.

Genome-Nilou Lab
Classification: Benign for Tuberous sclerosis 2. Last evaluated: 2021-11-07. Review status: criteria provided, single submitter. Criteria: ACMG Guidelines, 2015. Collection method: clinical testing. Allele origin: germline. Affected: no.

Fulgent Genetics
Classification: Likely benign for Lymphangiomyomatosis; Isolated focal cortical dysplasia type II; Tuberous sclerosis 2. Last evaluated: 2021-07-17. Review status: criteria provided, single submitter. Criteria: ACMG Guidelines, 2015. Collection method: clinical testing. Allele origin: unknown.

Genetic Services Laboratory, University of Chicago
Classification: Benign. Last evaluated: 2017-10-30. Review status: criteria provided, single submitter. Criteria: ACMG Guidelines, 2015. Collection method: clinical testing. Allele origin: germline. Affected: no.

Ambry Genetics
Classification: Likely benign for Hereditary cancer-predisposing syndrome. Last evaluated: 2015-01-16. Review status: criteria provided, single submitter. Criteria: Ambry Variant Classification Scheme 2023. Collection method: clinical testing. Allele origin: germline.

GeneDx
Classification: Benign. Last evaluated: 2013-10-31. Review status: criteria provided, single submitter. Criteria: GeneDx Variant Classification (06012015). Collection method: clinical testing. Allele origin: germline. Affected: yes.
Comment: This variant is considered likely benign or benign based on one or more of the following criteria: it is a conservative change, it occurs at a poorly conserved position in the protein, it is predicted to be benign by multiple in silico algorithms, and/or has population frequency not consistent with disease.

Laboratory for Molecular Medicine, Mass General Brigham Personalized Medicine
Classification: Benign. Last evaluated: 2013-02-21. Review status: criteria provided, single submitter. Criteria: LMM Criteria. Collection method: clinical testing. Allele origin: germline. Observed: 1 variant allele.
Comment: Ala1546Ala in exon 36 of TSC2: This variant is not expected to have clinical sig nificance because it does not alter an amino acid residue and is not located wit hin the splice consensus sequence. It has been identified in 1.3% (59/4392) of A frican American chromosomes from a broad population by the NHLBI Exome Sequencin g Project (dbSNP rs45517354).

Breakthrough Genomics
Classification: Likely benign. Review status: criteria provided, single submitter. Criteria: ACMG Guidelines, 2015. Collection method: not provided. Allele origin: germline. Inheritance: Autosomal dominant inheritance. Affected: yes.

PreventionGenetics, part of Exact Sciences
Classification: Benign. Review status: criteria provided, single submitter. Criteria: ACMG Guidelines, 2015. Collection method: clinical testing. Allele origin: germline.

Tuberous sclerosis database (TSC2)
No classification provided. Condition: TSC. Review status: no classification provided. Criteria: Tuberous Sclerosis Database Assertion Criteria 2015. Collection method: curation. Allele origin: germline. Affected: yes. Not counted in ClinVar's aggregate classification.

Literature cited by the submitters: PubMed 17304050 (cited by Athena Diagnostics and Ambry Genetics).